The following is an entry in ClinVar:

NM_024675.4(PALB2):c.2515-2A>C

Gene: PALB2 (partner and localizer of BRCA2; minus strand). Cytogenetic location: 16p12.2.
Variant type: single nucleotide variant.
Coding change: c.2515-2A>C on transcript NM_024675.4 (MANE Select); the canonical splice acceptor site of the intron before coding-DNA position 2515, A replaced by C.
Molecular consequence: splice acceptor variant. On other transcripts: intron variant (1).
Genome position (GRCh38, 1-based): chr16:23,629,277, T>G on the plus strand (A>C on the coding strand, the complement: PALB2 is on the minus strand). VCF-style: chr16-23629277-T-G. GRCh37 (hg19) VCF-style: chr16-23640598-T-G.
Other names: c.1630-2A>C (NM_001407308.1, NM_001407306.1, NM_001407307.1 and 5 more transcripts); c.49-2A>C (NM_001407314.1); c.727-2A>C (NM_001407313.1, NM_001407312.1); c.2455-2A>C (NM_001407296.1); c.2514+363A>C (NM_001407297.1); c.2515-2A>C (NM_001407302.1, NM_001407298.1, NM_001407300.1 and 2 more transcripts).
Identifiers: ClinVar variation 3721293 (VCV003721293.2).

ClinVar aggregate classification (germline): Likely pathogenic (1 of 4 stars; one submission).

Conditions:
Familial cancer of breast. Also called: BREAST CANCER, FAMILIAL; Hereditary breast cancer; hereditary breast carcinoma. Identifiers: Orphanet 227535, MedGen C0346153, MONDO:0016419, OMIM 114480. Disease mechanism: loss of function.

Submission:

Labcorp Genetics (formerly Invitae), Labcorp
Classification: Likely pathogenic for Familial cancer of breast. Last evaluated: 2024-10-20. Review status: criteria provided, single submitter. Criteria: Invitae Variant Classification Sherloc (09022015). Collection method: clinical testing. Allele origin: germline.
Comment: This sequence change affects an acceptor splice site in intron 5 of the PALB2 gene. It is expected to disrupt RNA splicing. Variants that disrupt the donor or acceptor splice site typically lead to a loss of protein function (PMID: 16199547), and loss-of-function variants in PALB2 are known to be pathogenic (PMID: 17200668, 17200671, 17200672, 24136930, 25099575). This variant is not present in population databases (gnomAD no frequency). Disruption of this splice site has been observed in individual(s) with breast cancer (PMID: 29093764, 34846068). Studies have shown that disruption of this splice site is associated with inconclusive levels of altered splicing (PMID: 34846068). In summary, the currently available evidence indicates that the variant is pathogenic, but additional data are needed to prove that conclusively. Therefore, this variant has been classified as Likely Pathogenic.

Literature cited by the submitters: PubMed 16199547; PubMed 17200668; PubMed 17200671; PubMed 17200672; PubMed 24136930; PubMed 25099575; PubMed 29093764; PubMed 34846068.